The following is an entry in ClinVar:

ClinVar aggregate classification (germline): Uncertain significance (1 of 4 stars; one submission).

Submission:

GeneDx
Classification: Uncertain significance. Last evaluated: 2024-01-22. Review status: criteria provided, single submitter. Criteria: GeneDx Variant Classification Process June 2021. Collection method: clinical testing. Allele origin: germline. Affected: yes.
Comment: Not observed at significant frequency in large population cohorts (gnomAD); In silico analysis supports that this missense variant does not alter protein structure/function; Has not been previously published as pathogenic or benign to our knowledge

NM_006593.4(TBR1):c.326A>C (p.Gln109Pro)

Gene: TBR1 (T-box brain transcription factor 1; plus strand). Cytogenetic location: 2q24.2.
Variant type: single nucleotide variant.
Coding change: c.326A>C on transcript NM_006593.4 (MANE Select); coding-DNA position 326, A replaced by C.
Protein change: p.Gln109Pro; replaces glutamine 109 with proline.
Molecular consequence: missense variant.
Genome position (GRCh38, 1-based): chr2:161,416,736, A>C. VCF-style: chr2-161416736-A-C. GRCh37 (hg19) VCF-style: chr2-162273247-A-C.
Other names: short protein forms Q109P.
Identifiers: ClinVar variation 3368123 (VCV003368123.1).